The following is an entry in ClinVar:

NM_000268.4(NF2):c.798C>G (p.Tyr266Ter)

Gene: NF2 (NF2, moesin-ezrin-radixin like (MERLIN) tumor suppressor; plus strand). Cytogenetic location: 22q12.2.
Variant type: single nucleotide variant.
Coding change: c.798C>G on transcript NM_000268.4 (MANE Select); coding-DNA position 798, C replaced by G.
Protein change: p.Tyr266Ter; replaces tyrosine 266 with a stop codon.
Molecular consequence: nonsense. On other transcripts: non-coding transcript variant (1), intron variant (1).
Genome position (GRCh38, 1-based): chr22:29,661,327, C>G. VCF-style: chr22-29661327-C-G. GRCh37 (hg19) VCF-style: chr22-30057316-C-G.
Other names: c.798C>G, p.Tyr266Ter (NM_016418.5, NM_181825.3, NM_181832.3); c.672C>G, p.Tyr224Ter (NM_181828.3); c.675C>G, p.Tyr225Ter (NM_181829.3); c.549C>G, p.Tyr183Ter (NM_181830.3, NM_181831.3); c.447+19042C>G (NM_181833.3); short protein forms Y266*, Y224*, Y225*, Y183*.
Identifiers: ClinVar variation 527692 (VCV000527692.9), dbSNP rs917257652, ClinGen allele CA411144163.
Genomic context (GRCh38, chr22:29,661,327, plus strand): 5'-TGAGAACAGACTGACCCCCAAGATCTCCTTCCCGTGGAATGAAATCCGAAACATCTCGTA[C>G]AGTGACAAGGAGGTAGGACATGTGTGTACTGCAGATGGGTCCAGCAGATCTTTCCCTGTC-3'

ClinVar aggregate classification (germline): Pathogenic (1 of 4 stars; one submission).

Conditions:
Neurofibromatosis, type 2 (SWNV). Also called: NF2-Related Schwannomatosis; BILATERAL ACOUSTIC NEUROFIBROMATOSIS; SCHWANNOMATOSIS, VESTIBULAR. Identifiers: Orphanet 637, MedGen C0027832, MONDO:0007039, OMIM 101000. Disease mechanism: loss of function.

Submission:

Labcorp Genetics (formerly Invitae), Labcorp
Classification: Pathogenic for Neurofibromatosis, type 2. Last evaluated: 2018-02-07. Review status: criteria provided, single submitter. Criteria: Invitae Variant Classification Sherloc (09022015). Collection method: clinical testing. Allele origin: germline.
Comment: For these reasons, this variant has been classified as Pathogenic. Loss-of-function variants in NF2 are known to be pathogenic (PMID: 9643284, 16983642). This variant has been reported in an individual affected with neurofibromatosis type II (Invitae). This variant is not present in population databases (ExAC no frequency). This sequence change creates a premature translational stop signal (p.Tyr266*) in the NF2 gene. It is expected to result in an absent or disrupted protein product.

Literature cited by the submitters: PubMed 9643284; PubMed 16983642.